The following is an entry in ClinVar:

ClinVar aggregate classification (germline): Benign/Likely benign. Review status: criteria provided, multiple submitters, no conflicts (2 of 4 stars). 2 submissions from 2 submitters: Benign (1); Likely benign (1). Last evaluated 2024-08-01.

Conditions:
Hereditary cancer-predisposing syndrome. Also called: Hereditary Cancer Syndrome; Neoplastic Syndromes, Hereditary; Tumor predisposition; Hereditary neoplastic syndrome. Identifiers: Orphanet 140162, MedGen C0027672, MeSH D009386, MONDO:0015356.
Juvenile polyposis syndrome (JPS). Identifiers: Orphanet 2929, MedGen C0345893, MONDO:0017380, OMIM 174900.

Submissions (2):

Myriad Genetics, Inc.
Classification: Benign for Juvenile polyposis syndrome. Last evaluated: 2024-08-01. Review status: criteria provided, single submitter. Criteria: Myriad Autosomal Dominant, Autosomal Recessive and X-Linked Classification Criteria (2023). Collection method: clinical testing. Allele origin: unknown.
Comment: This variant is considered benign. This variant is a silent/synonymous amino acid change and it is not expected to impact splicing.

Ambry Genetics
Classification: Likely benign for Hereditary cancer-predisposing syndrome. Last evaluated: 2015-07-09. Review status: criteria provided, single submitter. Criteria: Ambry Variant Classification Scheme 2023. Collection method: clinical testing. Allele origin: germline.

NM_004329.3(BMPR1A):c.600T>C (p.Ile200=)

Gene: BMPR1A (bone morphogenetic protein receptor type 1A; plus strand). Cytogenetic location: 10q23.2.
Variant type: single nucleotide variant.
Coding change: c.600T>C on transcript NM_004329.3 (MANE Select); coding-DNA position 600, T replaced by C.
Protein change: p.Ile200=; no amino-acid change (isoleucine 200 retained).
Molecular consequence: synonymous variant.
Genome position (GRCh38, 1-based): chr10:86,912,309, T>C. VCF-style: chr10-86912309-T-C. GRCh37 (hg19) VCF-style: chr10-88672066-T-C.
Identifiers: ClinVar variation 232805 (VCV000232805.6), dbSNP rs876659999, ClinGen allele CA10578883.